The following is an entry in ClinVar:

ClinVar aggregate classification (germline): Pathogenic (1 of 4 stars; one submission).

Conditions:
Retinitis pigmentosa 12 (RP12). Also called: RP WITH OR WITHOUT PRESERVED PARAARTERIOLE RETINAL PIGMENT EPITHELIUM; RETINITIS PIGMENTOSA WITH OR WITHOUT PARAARTERIOLAR PRESERVATION OF RETINAL PIGMENT EPITHELIUM; RP WITH OR WITHOUT PPRPE. Identifiers: Orphanet 791, MedGen C1838647, MONDO:0010818, OMIM 600105.
Leber congenital amaurosis 8 (LCA8). Identifiers: Orphanet 65, MedGen C3151202, MONDO:0013453, OMIM 613835.

Submission:

Labcorp Genetics (formerly Invitae), Labcorp
Classification: Pathogenic for Leber congenital amaurosis 8; Retinitis pigmentosa 12. Last evaluated: 2023-09-14. Review status: criteria provided, single submitter. Criteria: Invitae Variant Classification Sherloc (09022015). Collection method: clinical testing. Allele origin: germline.
Comment: For these reasons, this variant has been classified as Pathogenic. This variant has not been reported in the literature in individuals affected with CRB1-related conditions. This variant is not present in population databases (gnomAD no frequency). This sequence change creates a premature translational stop signal (p.Ile969Tyrfs*29) in the CRB1 gene. It is expected to result in an absent or disrupted protein product. Loss-of-function variants in CRB1 are known to be pathogenic (PMID: 10508521, 22065545, 23379534, 25412400, 26957898, 28041643, 29391521).

Literature cited by the submitters: PubMed 10508521; PubMed 22065545; PubMed 23379534; PubMed 25412400; PubMed 26957898; PubMed 28041643; PubMed 29391521.

NM_201253.3(CRB1):c.2904dup (p.Ile969fs)

Gene: CRB1 (crumbs cell polarity complex component 1; plus strand). Cytogenetic location: 1q31.3.
Variant type: Duplication.
Coding change: c.2904dup on transcript NM_201253.3 (MANE Select); coding-DNA position 2904, one base duplicated (T; older notation c.2904dupT).
Protein change: p.Ile969fs; shifts the reading frame from isoleucine 969.
Molecular consequence: frameshift variant. On other transcripts: non-coding transcript variant (2), intron variant (1).
Genome position (GRCh38, 1-based): chr1:197,434,767, T duplicated. VCF-style (leftmost placement, unchanged base first): chr1-197434766-A-AT. GRCh37 (hg19) VCF-style: chr1-197403896-A-AT.
Other names: c.2568dup, p.Ile857fs (NM_001193640.2); c.2832dup, p.Ile945fs (NM_001257965.2); c.2129-833dup (NM_001257966.2); short protein forms I969fs, I945fs, I857fs.
Identifiers: ClinVar variation 2951913 (VCV002951913.3), dbSNP rs2528196103, ClinGen allele CA2740090446.